The following is an entry in ClinVar:

ClinVar aggregate classification (germline): Uncertain significance. Review status: criteria provided, multiple submitters, no conflicts (2 of 4 stars). 2 submissions from 2 submitters: Uncertain significance (2). Last evaluated 2025-08-30.

Conditions:
Inborn genetic diseases. Identifiers: MedGen C0950123, MeSH D030342.

Allele frequency attached by ClinVar (database versions not stated): ExAC 0.00001; gnomAD exomes 0.00003.
gnomAD v4.1: 37 of 1,614,034 alleles (0.0023%); highest among the groups gnomAD compares: Non-Finnish European, 0.0031%; no homozygotes.

Submissions (2):

Ambry Genetics
Classification: Uncertain significance for Inborn genetic diseases. Last evaluated: 2025-08-30. Review status: criteria provided, single submitter. Criteria: Ambry Variant Classification Scheme 2023. Collection method: clinical testing. Allele origin: germline.

Labcorp Genetics (formerly Invitae), Labcorp
Classification: Uncertain significance. Last evaluated: 2023-12-11. Review status: criteria provided, single submitter. Criteria: Invitae Variant Classification Sherloc (09022015). Collection method: clinical testing. Allele origin: germline.
Comment: This sequence change replaces valine, which is neutral and non-polar, with alanine, which is neutral and non-polar, at codon 822 of the CDH2 protein (p.Val822Ala). This variant is present in population databases (rs779600795, gnomAD 0.0009%). This variant has not been reported in the literature in individuals affected with CDH2-related conditions. ClinVar contains an entry for this variant (Variation ID: 1945138). An algorithm developed to predict the effect of missense changes on protein structure and function (PolyPhen-2) suggests that this variant is likely to be tolerated. In summary, the available evidence is currently insufficient to determine the role of this variant in disease. Therefore, it has been classified as a Variant of Uncertain Significance.

NM_001792.5(CDH2):c.2465T>C (p.Val822Ala)

Genes: CDH2 (cadherin 2; minus strand), CDH2-AS1 (CDH2 antisense RNA 1; plus strand). Cytogenetic location: 18q12.1.
Variant type: single nucleotide variant.
Coding change: c.2465T>C on transcript NM_001792.5 (MANE Select); coding-DNA position 2465, T replaced by C.
Protein change: p.Val822Ala; replaces valine 822 with alanine.
Molecular consequence: missense variant.
Genome position (GRCh38, 1-based): chr18:27,963,406, A>G on the plus strand (T>C on the coding strand, the complement: CDH2 is on the minus strand). VCF-style: chr18-27963406-A-G. GRCh37 (hg19) VCF-style: chr18-25543370-A-G.
Other names: c.2465T>C (NM_001792.3); c.2372T>C, p.Val791Ala (NM_001308176.2); short protein forms V822A, V791A.
Identifiers: ClinVar variation 1945138 (VCV001945138.6), dbSNP rs779600795, ClinGen allele CA8923144.